The following is an entry in ClinVar:

ClinVar aggregate classification (germline): Uncertain significance (1 of 4 stars; one submission).

Conditions:
Autosomal recessive nonsyndromic hearing loss 9. Also called: OTOF-Related Hearing Loss; Deafness, autosomal recessive 9; NEUROSENSORY NONSYNDROMIC RECESSIVE DEAFNESS 9; AUDITORY NEUROPATHY, AUTOSOMAL RECESSIVE, 1, TEMPERATURE-SENSITIVE. Identifiers: Orphanet 90636, MedGen C1832828, MONDO:0010986, OMIM 601071.

gnomAD v4.1: 2 of 1,599,922 alleles (0.00013%); highest among the groups gnomAD compares: East Asian, 0.0023%; no homozygotes.

Submission:

Wonkam Laboratory, Johns Hopkins University
Classification: Uncertain significance for Autosomal recessive nonsyndromic hearing loss 9. Last evaluated: 2024-01-06. Review status: criteria provided, single submitter. Criteria: ACMG Guidelines, 2015. Collection method: research. Allele origin: germline. Inheritance: Autosomal recessive inheritance. Affected: yes. Observed: 2 variant alleles.
Comment: This variant OTOF c.2804G>A (NM_004802.3) is located in a mutational hot spot and/or critical and well-established functional domain (e.g., active site of an enzyme) without benign variation (PM1), the variant is absent from controls (or at extremely low frequency if recessive) in Exome Sequencing Project, 1000 Genomes Project, or Exome Aggregation Consortium (PM2), Multiple lines of computational evidence support a deleterious effect on the gene or gene product (conservation, evolutionary, splicing impact, etc.)(PP3)

NM_194248.3(OTOF):c.5105G>A (p.Gly1702Asp)

Genes: OTOF (otoferlin; minus strand), LOC112840921 (BRD4-independent group 4 enhancer GRCh37_chr2:26685720-26686919; plus strand). Cytogenetic location: 2p23.3.
Variant type: single nucleotide variant.
Coding change: c.5105G>A on transcript NM_194248.3 (MANE Select); coding-DNA position 5105, G replaced by A.
Protein change: p.Gly1702Asp; replaces glycine 1702 with aspartic acid.
Molecular consequence: missense variant.
Genome position (GRCh38, 1-based): chr2:26,463,570, C>T on the plus strand (G>A on the coding strand, the complement: OTOF is on the minus strand). VCF-style: chr2-26463570-C-T. GRCh37 (hg19) VCF-style: chr2-26686438-C-T.
Other names: c.5105G>A, p.Gly1702Asp (NM_001287489.2); c.2804G>A, p.Gly935Asp (NM_004802.4, NM_194323.3); c.3035G>A, p.Gly1012Asp (NM_194322.3); short protein forms G1012D, G1702D, G935D.
Identifiers: ClinVar variation 3767323 (VCV003767323.1).